The following is an entry in ClinVar:

ClinVar aggregate classification (germline): Uncertain significance (1 of 4 stars; one submission).

Submission:

GeneDx
Classification: Uncertain significance. Last evaluated: 2024-01-03. Review status: criteria provided, single submitter. Criteria: GeneDx Variant Classification Process June 2021. Collection method: clinical testing. Allele origin: germline. Affected: yes.
Comment: Not observed at significant frequency in large population cohorts (gnomAD); In silico analysis supports that this missense variant has a deleterious effect on protein structure/function; Has not been previously published as pathogenic or benign to our knowledge

NM_006946.4(SPTBN2):c.2198A>T (p.Glu733Val)

Gene: SPTBN2 (spectrin beta, non-erythrocytic 2; minus strand). Cytogenetic location: 11q13.2.
Variant type: single nucleotide variant.
Coding change: c.2198A>T on transcript NM_006946.4 (MANE Select); coding-DNA position 2198, A replaced by T.
Protein change: p.Glu733Val; replaces glutamic acid 733 with valine.
Molecular consequence: missense variant.
Genome position (GRCh38, 1-based): chr11:66,705,078, T>A on the plus strand (A>T on the coding strand, the complement: SPTBN2 is on the minus strand). VCF-style: chr11-66705078-T-A. GRCh37 (hg19) VCF-style: chr11-66472549-T-A.
Other names: c.2219A>T, p.Glu740Val (NM_001411025.1); short protein forms E733V, E740V.
Identifiers: ClinVar variation 3367364 (VCV003367364.1).